The following is an entry in ClinVar:

NM_001079866.2(BCS1L):c.98G>A (p.Arg33Gln)

Gene: BCS1L (BCS1 ubiquinol-cytochrome c reductase complex chaperone; plus strand). Cytogenetic location: 2q35.
Variant type: single nucleotide variant.
Coding change: c.98G>A on transcript NM_001079866.2 (MANE Select); coding-DNA position 98, G replaced by A.
Protein change: p.Arg33Gln; replaces arginine 33 with glutamine.
Molecular consequence: missense variant. On other transcripts: 5 prime UTR variant (5), non-coding transcript variant (1), intron variant (3).
Genome position (GRCh38, 1-based): chr2:218,661,085, G>A. VCF-style: chr2-218661085-G-A. GRCh37 (hg19) VCF-style: chr2-219525808-G-A.
Other names: c.98G>A, p.Arg33Gln (NM_001257342.2, NM_001257343.2, NM_001257344.2 and 10 more transcripts); c.-379G>A (NM_001371453.1, NM_001371454.1, NM_001371455.1 and 2 more transcripts); c.-40-321G>A (NM_001371451.1, NM_001318836.2); c.-41-674G>A (NM_001371452.1); short protein forms R33Q.
Identifiers: ClinVar variation 3388694 (VCV003388694.15).

ClinVar aggregate classification (germline): Uncertain significance. Review status: criteria provided, multiple submitters, no conflicts (2 of 4 stars). 2 submissions from 2 submitters: Uncertain significance (2). Last evaluated 2024-10-01.

Conditions:
Pili torti-deafness syndrome (BJS). Also called: PILI TORTI AND NERVE DEAFNESS; Bjornstad syndrome. Identifiers: Orphanet 123, MedGen C0266006, MONDO:0009872, OMIM 262000.
Mitochondrial complex III deficiency nuclear type 1. Identifiers: Orphanet 254902, MedGen C3541471, MONDO:0007415, OMIM 124000.
GRACILE syndrome (FLNMS). Also called: FELLMAN SYNDROME; FINNISH LETHAL NEONATAL METABOLIC SYNDROME. Identifiers: Orphanet 53693, MedGen C1864002, MONDO:0011308, OMIM 603358.

Submissions (2):

CeGaT Center for Human Genetics Tuebingen
Classification: Uncertain significance. Last evaluated: 2024-10-01. Review status: criteria provided, single submitter. Criteria: CeGaT Center For Human Genetics Tuebingen Variant Classification Criteria Version 2. Collection method: clinical testing. Allele origin: germline. Affected: yes. Observed: 1 variant allele.
Comment: BCS1L: PM2, PM3:Supporting, PP4

Fulgent Genetics
Classification: Uncertain significance for Mitochondrial complex III deficiency nuclear type 1; Pili torti-deafness syndrome; GRACILE syndrome. Last evaluated: 2024-01-23. Review status: criteria provided, single submitter. Criteria: ACMG Guidelines, 2015. Collection method: clinical testing. Allele origin: germline.